The following is an entry in ClinVar:

NM_024422.6(DSC2):c.2576A>G (p.Tyr859Cys)

Gene: DSC2 (desmocollin 2; minus strand). Cytogenetic location: 18q12.1.
Variant type: single nucleotide variant.
Coding change: c.2576A>G on transcript NM_024422.6 (MANE Select); coding-DNA position 2576, A replaced by G.
Protein change: p.Tyr859Cys; replaces tyrosine 859 with cysteine.
Molecular consequence: missense variant. On other transcripts: 3 prime UTR variant (1).
Genome position (GRCh38, 1-based): chr18:31,068,145, T>C on the plus strand (A>G on the coding strand, the complement: DSC2 is on the minus strand). VCF-style: chr18-31068145-T-C. GRCh37 (hg19) VCF-style: chr18-28648111-T-C.
Other names: c.*78A>G (NM_004949.5); short protein forms Y859C.
Identifiers: ClinVar variation 199785 (VCV000199785.16), dbSNP rs758950880, ClinGen allele CA022921.

ClinVar aggregate classification (germline): Uncertain significance. Review status: criteria provided, multiple submitters, no conflicts (2 of 4 stars). 5 submissions from 5 submitters: Uncertain significance (5). Last evaluated 2026-01-11.

Conditions:
Cardiovascular phenotype. Identifiers: MedGen CN230736.
Familial isolated arrhythmogenic right ventricular dysplasia. Identifiers: Orphanet 217656, MedGen C4274968, MONDO:0016342.
Cardiomyopathy (CMYO). Also called: Cardiomyopathies. Identifiers: Orphanet 167848, MedGen C0878544, MONDO:0004994, HP:0001638. Inheritance: Various modes of inheritance.
Arrhythmogenic right ventricular dysplasia 11. Also called: Arrhythmogenic right ventricular dysplasia 11 with mild palmoplantar keratoderma and woolly hair; Arrhythmogenic Right Ventricular Dysplasia/Cardiomyopathy11; ARRHYTHMOGENIC RIGHT VENTRICULAR DYSPLASIA, FAMILIAL, 11. Identifiers: MedGen C1864850, MONDO:0012506, OMIM 610476.

Allele frequency attached by ClinVar (database versions not stated): gnomAD 0.00004 and 0.00003; gnomAD exomes 0.00001 and 0.00002; ExAC 0.00001; TOPMed 0.00002.
gnomAD v4.1: 18 of 1,613,952 alleles (0.0011%); highest among the groups gnomAD compares: Admixed American, 0.013%; no homozygotes.

Submissions (5):

Labcorp Genetics (formerly Invitae), Labcorp
Classification: Uncertain significance for Arrhythmogenic right ventricular dysplasia 11. Last evaluated: 2026-01-11. Review status: criteria provided, single submitter. Criteria: Invitae Variant Classification Sherloc (09022015). Collection method: clinical testing. Allele origin: germline.
Comment: This sequence change replaces tyrosine, which is neutral and polar, with cysteine, which is neutral and slightly polar, at codon 859 of the DSC2 protein (p.Tyr859Cys). This variant is present in population databases (rs758950880, gnomAD 0.009%). This variant has not been reported in the literature in individuals affected with DSC2-related conditions. ClinVar contains an entry for this variant (Variation ID: 199785). An algorithm developed to predict the effect of missense changes on protein structure and function (PolyPhen-2) suggests that this variant is likely to be disruptive. In summary, the available evidence is currently insufficient to determine the role of this variant in disease. Therefore, it has been classified as a Variant of Uncertain Significance.

Ambry Genetics
Classification: Uncertain significance for Cardiovascular phenotype. Last evaluated: 2025-03-29. Review status: criteria provided, single submitter. Criteria: Ambry Variant Classification Scheme 2023. Collection method: clinical testing. Allele origin: germline.
Comment: The p.Y859C variant (also known as c.2576A>G), located in coding exon 16 of the DSC2 gene, results from an A to G substitution at nucleotide position 2576. The tyrosine at codon 859 is replaced by cysteine, an amino acid with highly dissimilar properties. This amino acid position is highly conserved in available vertebrate species. In addition, this alteration is predicted to be deleterious by in silico analysis. Since supporting evidence is limited at this time, the clinical significance of this alteration remains unclear.

All of Us Research Program, National Institutes of Health
Classification: Uncertain significance for Familial isolated arrhythmogenic right ventricular dysplasia. Last evaluated: 2024-09-27. Review status: criteria provided, single submitter. Criteria: ACMG Guidelines, 2015. Collection method: clinical testing. Allele origin: germline. Inheritance: Autosomal dominant inheritance. Observed: 8 variant alleles, 8 heterozygotes.
Comment: This missense variant replaces tyrosine with cysteine at codon 859 of the DSC2 protein. Computational prediction suggests that this variant may have deleterious impact on protein structure and function (internally defined REVEL score threshold >= 0.7, PMID: 27666373). To our knowledge, functional studies have not been reported for this variant. This variant has not been reported in individuals affected with cardiovascular disorders in the literature. This variant has been identified in 4/251086 chromosomes in the general population by the Genome Aggregation Database (gnomAD). The available evidence is insufficient to determine the role of this variant in disease conclusively. Therefore, this variant is classified as a Variant of Uncertain Significance.

This study involves interpretation of variants in research participants for the purpose of population health screening. Participant phenotype was not available at the time of variant classification. Additional details can be found in publication PMID: 35346344, PMCID: PMC8962531

Color Diagnostics, LLC DBA Color Health
Classification: Uncertain significance for Cardiomyopathy. Last evaluated: 2024-03-06. Review status: criteria provided, single submitter. Criteria: ACMG Guidelines, 2015. Collection method: clinical testing. Allele origin: germline.
Comment: This missense variant replaces tyrosine with cysteine at codon 859 of the DSC2 protein. Computational prediction suggests that this variant may have deleterious impact on protein structure and function (internally defined REVEL score threshold >= 0.7, PMID: 27666373). To our knowledge, functional studies have not been reported for this variant. This variant has not been reported in individuals affected with cardiovascular disorders in the literature. This variant has been identified in 4/251086 chromosomes in the general population by the Genome Aggregation Database (gnomAD). The available evidence is insufficient to determine the role of this variant in disease conclusively. Therefore, this variant is classified as a Variant of Uncertain Significance.

AiLife Diagnostics
Classification: Uncertain significance. Last evaluated: 2021-12-27. Review status: criteria provided, single submitter. Criteria: ACMG Guidelines, 2015. Collection method: clinical testing. Allele origin: germline. Affected: yes. Observed: 1 variant allele.